The following is an entry in ClinVar:

NM_001009944.3(PKD1):c.11916C>G (p.Arg3972=)

Gene: PKD1 (polycystin 1, transient receptor potential channel interacting; minus strand). Cytogenetic location: 16p13.3.
Variant type: single nucleotide variant.
Coding change: c.11916C>G on transcript NM_001009944.3 (MANE Select); coding-DNA position 11916, C replaced by G.
Protein change: p.Arg3972=; no amino-acid change (arginine 3972 retained).
Molecular consequence: synonymous variant.
Genome position (GRCh38, 1-based): chr16:2,090,971, G>C on the plus strand (C>G on the coding strand, the complement: PKD1 is on the minus strand). VCF-style: chr16-2090971-G-C. GRCh37 (hg19) VCF-style: chr16-2140972-G-C.
Other names: p.Arg3972=; c.11913C>G, p.Arg3971= (NM_000296.4).
Identifiers: ClinVar variation 811148 (VCV000811148.39), dbSNP rs77634115, ClinGen allele CA7828944.
Genomic context (GRCh38, chr16:2,090,971, plus strand): 5'-GGCCGCCAGGCCACGGGCTGCGGAGCTCAGCTGCGCCACCTGGTCGAAGCTAGTGAAGCG[G>C]CGCGGGCGGCCGCGCACGAAACGGGTCCACTGGCGGTCAGCGGCACCCAGCTGGGCGAGG-3'
Protein context (NP_001009944.3, residues 3962-3982): QWTRFVRGRP[Arg3972=]RFTSFDQVAQ

ClinVar aggregate classification (germline): Benign/Likely benign. Review status: criteria provided, multiple submitters, no conflicts (2 of 4 stars). 8 submissions from 8 submitters: Benign (4); Likely benign (3). 1 of the submissions does not count toward it. Last evaluated 2025-04-25.

Conditions:
Polycystic kidney disease, adult type (PKD1). Also called: Polycystic Kidney Disease 1, Autosomal Dominant; Polycystic kidney disease 1; Polycystic kidney disease 1, severe; POLYCYSTIC KIDNEY DISEASE, ADULT, TYPE I; Polycystic Kidney, Autosomal Dominant; POLYCYSTIC KIDNEY DISEASE 1 WITH OR WITHOUT POLYCYSTIC LIVER DISEASE. Identifiers: MedGen C3149841, MONDO:0008263, OMIM 173900.
Polycystic kidney disease. Also called: Polycystic kidney dysplasia; Kidney, Polycystic. Identifiers: MedGen C0022680, MeSH D007690, MONDO:0020642, HP:0000113.

Allele frequency attached by ClinVar (database versions not stated): 1000 Genomes Project 0.00319; 1000 Genomes Project 30x 0.00344; TOPMed 0.00411.
gnomAD v4.1: 1,083 of 1,543,088 alleles (0.07%); highest among the groups gnomAD compares: African/African-American, 1.2%; 4 homozygotes.

Submissions (8):

Women's Health and Genetics/Laboratory Corporation of America, LabCorp
Classification: Likely benign. Last evaluated: 2025-04-25. Review status: criteria provided, single submitter. Criteria: LabCorp Variant Classification Summary - May 2015. Collection method: clinical testing. Allele origin: germline.

Blueprint Genetics
Classification: Likely benign. Last evaluated: 2024-09-19. Review status: criteria provided, single submitter. Criteria: ACMG Guidelines, 2015. Collection method: clinical testing. Allele origin: germline.

Mayo Clinic Laboratories, Mayo Clinic
Classification: Benign. Last evaluated: 2023-08-31. Review status: criteria provided, single submitter. Criteria: ACMG Guidelines, 2015. Collection method: clinical testing. Allele origin: germline. Observed: 4 variant alleles.
Comment: BS1, BS2, BP4, BP7

CeGaT Center for Human Genetics Tuebingen
Classification: Benign. Last evaluated: 2022-07-01. Review status: criteria provided, single submitter. Criteria: CeGaT Center For Human Genetics Tuebingen Variant Classification Criteria Version 2. Collection method: clinical testing. Allele origin: germline. Affected: yes. Observed: 1 variant allele.
Comment: PKD1: BS1, BS2

Fulgent Genetics
Classification: Likely benign for Polycystic kidney disease, adult type. Last evaluated: 2021-07-17. Review status: criteria provided, single submitter. Criteria: ACMG Guidelines, 2015. Collection method: clinical testing. Allele origin: unknown.

ARUP Laboratories, Molecular Genetics and Genomics, ARUP Laboratories
Classification: Benign for Polycystic kidney disease, adult type. Last evaluated: 2018-10-01. Review status: criteria provided, single submitter. Criteria: ARUP Molecular Germline Variant Investigation Process. Collection method: clinical testing. Allele origin: germline.

Breakthrough Genomics
Classification: Benign. Review status: criteria provided, single submitter. Criteria: ACMG Guidelines, 2015. Collection method: not provided. Allele origin: germline. Inheritance: Autosomal dominant inheritance. Affected: yes.

Department of Pathology and Laboratory Medicine, Sinai Health System
Classification: Benign for Polycystic Kidney disease. Review status: no assertion criteria provided. Collection method: clinical testing. Allele origin: unknown. Affected: yes. Observed: 1 variant allele. Study: The Canadian Open Genetics Repository (COGR). Not counted in ClinVar's aggregate classification.
Comment: The PKD1 p.Arg3972= variant was identified in 11 of 460 proband chromosomes (frequency: 0.0239) from individuals or families with PKD, and the study classified the variant as a polymorphism (Rossetti 2012). The variant was also identified in dbSNP (ID: rs77634115) as â€šÃ„ÃºWith Benign alleleâ€šÃ„Ã¹, ClinVar (1x as benign by Prevention Genetics), Clinvitae (as benign), ADPKD Mutation Database (as likely neutral). In addition, a different nucleotide change, c.11916C>T, with the same protein consequence, has been classified as benign in several databases, including ClinVar and Clinvitae. The variant was not identified in LOVD 3.0, and PKD1-LOVD databases. The variant was identified in control databases in 200 of 164424 chromosomes at a frequency of 0.0012, in the following populations: African in 181 (1 homozygous) of 15410 chromosomes (freq: 0.012), Latino in 12 of 25050 chromosomes (freq. 0.0005), Other in 1 of 4606 chromosomes (freq. 0.0002), European (Finnish) in 4 of 66128 (freq. 0.0001), European (Non-Finnish) in 4 of 66128 chromosomes (freq. 0.00006), and South Asian in 1 of 23662 chromosomes (freq. 0.00004), increasing the likelihood that this may be a low frequency benign variant in certain populations of origin (Genome Aggregation Consortium Feb 27, 2017). The p.Arg3972= variant is not expected to have clinical significance because it does not result in a change of amino acid and is not located in a known consensus splice site. In addition, in silico or computational prediction software programs (SpliceSiteFinder, MaxEntScan, NNSPLICE, GeneSplicer, HumanSpliceFinder) do not predict a difference in splicing. In summary, based on the above information this variant meets our laboratory criteria to be classified as benign.